The following is an entry in ClinVar:

NM_032043.3(BRIP1):c.970A>G (p.Thr324Ala)

Gene: BRIP1 (BRCA1 interacting DNA helicase 1; minus strand). Cytogenetic location: 17q23.2.
Variant type: single nucleotide variant.
Coding change: c.970A>G on transcript NM_032043.3 (MANE Select); coding-DNA position 970, A replaced by G.
Protein change: p.Thr324Ala; replaces threonine 324 with alanine.
Molecular consequence: missense variant.
Genome position (GRCh38, 1-based): chr17:61,801,423, T>C on the plus strand (A>G on the coding strand, the complement: BRIP1 is on the minus strand). VCF-style: chr17-61801423-T-C. GRCh37 (hg19) VCF-style: chr17-59878784-T-C.
Other names: short protein forms T324A.
Identifiers: ClinVar variation 1767931 (VCV001767931.2), dbSNP rs2077992353, ClinGen allele CA400484209.

ClinVar aggregate classification (germline): Uncertain significance (1 of 4 stars; one submission).

Conditions:
Hereditary cancer-predisposing syndrome. Also called: Hereditary Cancer Syndrome; Hereditary neoplastic syndrome; Neoplastic Syndromes, Hereditary; Tumor predisposition. Identifiers: Orphanet 140162, MedGen C0027672, MeSH D009386, MONDO:0015356.

Submission:

Ambry Genetics
Classification: Uncertain significance for Hereditary cancer-predisposing syndrome. Last evaluated: 2019-12-18. Review status: criteria provided, single submitter. Criteria: Ambry Variant Classification Scheme 2023. Collection method: clinical testing. Allele origin: germline.
Comment: The p.T324A variant (also known as c.970A>G), located in coding exon 7 of the BRIP1 gene, results from an A to G substitution at nucleotide position 970. The threonine at codon 324 is replaced by alanine, an amino acid with similar properties. This amino acid position is not well conserved in available vertebrate species. In addition, this alteration is predicted to be tolerated by in silico analysis. Since supporting evidence is limited at this time, the clinical significance of this alteration remains unclear.